The following is an entry in ClinVar:

ClinVar aggregate classification (germline): Uncertain significance (1 of 4 stars; one submission).

Conditions:
Autosomal dominant nonsyndromic hearing loss 1. Also called: DEAFNESS, AUTOSOMAL DOMINANT 1, WITH OR WITHOUT THROMBOCYTOPENIA; KONIGSMARK SYNDROME. Identifiers: Orphanet 90635, MedGen C1852282, MONDO:0007424, OMIM 124900.
Progressive microcephaly-seizures-cortical blindness-developmental delay syndrome. Also called: Seizures, cortical blindness, and microcephaly syndrome. Identifiers: Orphanet 477814, MedGen C5567650, MONDO:0014714, OMIM 616632.

Submission:

Labcorp Genetics (formerly Invitae), Labcorp
Classification: Uncertain significance for Progressive microcephaly-seizures-cortical blindness-developmental delay syndrome; Autosomal dominant nonsyndromic hearing loss 1. Last evaluated: 2022-10-18. Review status: criteria provided, single submitter. Criteria: Invitae Variant Classification Sherloc (09022015). Collection method: clinical testing. Allele origin: germline.
Comment: In summary, the available evidence is currently insufficient to determine the role of this variant in disease. Therefore, it has been classified as a Variant of Uncertain Significance. Algorithms developed to predict the effect of missense changes on protein structure and function (SIFT, PolyPhen-2, Align-GVGD) all suggest that this variant is likely to be disruptive. ClinVar contains an entry for this variant (Variation ID: 1388567). This missense change has been observed in individual(s) with deafness (Invitae). It has also been observed to segregate with disease in related individuals. This variant is not present in population databases (gnomAD no frequency). This sequence change replaces leucine, which is neutral and non-polar, with valine, which is neutral and non-polar, at codon 1202 of the DIAPH1 protein (p.Leu1202Val).

NM_005219.5(DIAPH1):c.3604C>G (p.Leu1202Val)

Gene: DIAPH1 (diaphanous related formin 1; minus strand). Cytogenetic location: 5q31.3.
Variant type: single nucleotide variant.
Coding change: c.3604C>G on transcript NM_005219.5 (MANE Select); coding-DNA position 3604, C replaced by G.
Protein change: p.Leu1202Val; replaces leucine 1202 with valine.
Molecular consequence: missense variant.
Genome position (GRCh38, 1-based): chr5:141,524,200, G>C on the plus strand (C>G on the coding strand, the complement: DIAPH1 is on the minus strand). VCF-style: chr5-141524200-G-C. GRCh37 (hg19) VCF-style: chr5-140903767-G-C.
Other names: c.3577C>G, p.Leu1193Val (NM_001079812.3); c.3604C>G, p.Leu1202Val (NM_001314007.2); short protein forms L1202V, L1193V.
Identifiers: ClinVar variation 1388567 (VCV001388567.6), dbSNP rs2154594918, ClinGen allele CA361575505.